The following is an entry in ClinVar:

NM_001160148.2(DDHD1):c.325GGC[5] (p.Gly112dup)

Gene: DDHD1 (DDHD domain containing 1; minus strand). Cytogenetic location: 14q22.1.
Variant type: Microsatellite.
Coding change: c.325GGC[5] on transcript NM_001160148.2 (MANE Select); five copies in a row of the 3-base unit GGC starting at c.325; the reference has four copies in a row; one copy, 3 bases duplicated.
Protein change: p.Gly112dup; duplicates glycine 112.
Molecular consequence: inframe insertion.
Genome position (GRCh38, 1-based): chr14:53,152,763-53,152,765, GCC duplicated on the plus strand (GGC on the coding strand, the reverse complement: DDHD1 is on the minus strand); duplicating any 3 consecutive bases within chr14:53,152,763-53,152,776 gives the same sequence; the position shown is the placement nearest the transcript's 3' end. VCF-style (leftmost placement, unchanged base first): chr14-53152762-T-TGCC. GRCh37 (hg19) VCF-style: chr14-53619480-T-TGCC.
Other names: p.Gly112dup; c.325GGC[5], p.Gly112dup (NM_001160147.2, NM_030637.3); c.334_336dup (NM_001160147.2).
Identifiers: ClinVar variation 965736 (VCV000965736.8), dbSNP rs55671452, ClinGen allele CA7191525.

ClinVar aggregate classification (germline): Conflicting classifications of pathogenicity. Review status: criteria provided, conflicting classifications (1 of 4 stars). 2 submissions from 2 submitters: Uncertain significance (1); Likely benign (1). Last evaluated 2025-07-29.

Conditions:
Hereditary spastic paraplegia 28. Also called: Spastic paraplegia 28, autosomal recessive. Identifiers: Orphanet 101008, MedGen C1836295, MONDO:0012256, OMIM 609340.

Submissions (2):

Mayo Clinic Laboratories, Mayo Clinic
Classification: Likely benign. Last evaluated: 2025-07-29. Review status: criteria provided, single submitter. Criteria: ACMG Guidelines, 2015. Collection method: clinical testing. Allele origin: germline. Observed: 1 variant allele.
Comment: BP3

Labcorp Genetics (formerly Invitae), Labcorp
Classification: Uncertain significance for Hereditary spastic paraplegia 28. Last evaluated: 2022-08-10. Review status: criteria provided, single submitter. Criteria: Invitae Variant Classification Sherloc (09022015). Collection method: clinical testing. Allele origin: germline.
Comment: This variant, c.334_336dup, results in the insertion of 1 amino acid(s) of the DDHD1 protein (p.Gly112dup), but otherwise preserves the integrity of the reading frame. The frequency data for this variant in the population databases is considered unreliable, as metrics indicate poor data quality at this position in the gnomAD database. This variant has not been reported in the literature in individuals affected with DDHD1-related conditions. ClinVar contains an entry for this variant (Variation ID: 965736). Experimental studies and prediction algorithms are not available or were not evaluated, and the functional significance of this variant is currently unknown. In summary, the available evidence is currently insufficient to determine the role of this variant in disease. Therefore, it has been classified as a Variant of Uncertain Significance.